The following is an entry in ClinVar:

NM_000875.5(IGF1R):c.3598G>T (p.Val1200Phe)

Gene: IGF1R (insulin like growth factor 1 receptor; plus strand). Cytogenetic location: 15q26.3.
Variant type: single nucleotide variant.
Coding change: c.3598G>T on transcript NM_000875.5 (MANE Select); coding-DNA position 3598, G replaced by T.
Protein change: p.Val1200Phe; replaces valine 1200 with phenylalanine.
Molecular consequence: missense variant.
Genome position (GRCh38, 1-based): chr15:98,948,584, G>T. VCF-style: chr15-98948584-G-T. GRCh37 (hg19) VCF-style: chr15-99491813-G-T.
Other names: c.3595G>T, p.Val1199Phe (NM_001291858.2); short protein forms V1199F, V1200F.
Identifiers: ClinVar variation 3373169 (VCV003373169.1).

ClinVar aggregate classification (germline): Uncertain significance (1 of 4 stars; one submission).

Submission:

GeneDx
Classification: Uncertain significance. Last evaluated: 2024-04-26. Review status: criteria provided, single submitter. Criteria: GeneDx Variant Classification Process June 2021. Collection method: clinical testing. Allele origin: germline. Affected: yes.
Comment: Not observed at significant frequency in large population cohorts (gnomAD); In silico analysis supports that this missense variant has a deleterious effect on protein structure/function; Has not been previously published as pathogenic or benign to our knowledge